The following is an entry in ClinVar:

ClinVar aggregate classification (germline): Uncertain significance (1 of 4 stars; one submission).

Conditions:
Donnai-Barrow syndrome. Also called: FACIOOCULOACOUSTICORENAL SYNDROME; DBS/FOAR SYNDROME. Identifiers: Orphanet 2143, MedGen C1857277, MONDO:0009104, OMIM 222448.

Submission:

Baylor Genetics
Classification: Uncertain significance for Donnai-Barrow syndrome. Last evaluated: 2019-03-04. Review status: criteria provided, single submitter. Criteria: ACMG Guidelines, 2015. Collection method: clinical testing. Allele origin: maternal. Affected: yes.
Comment: This variant was determined to be of uncertain significance according to ACMG Guidelines, 2015 [PMID:25741868].

NM_004525.3(LRP2):c.8494T>A (p.Ser2832Thr)

Gene: LRP2 (LDL receptor related protein 2; minus strand). Cytogenetic location: 2q31.1.
Variant type: single nucleotide variant.
Coding change: c.8494T>A on transcript NM_004525.3 (MANE Select); coding-DNA position 8494, T replaced by A.
Protein change: p.Ser2832Thr; replaces serine 2832 with threonine.
Molecular consequence: missense variant.
Genome position (GRCh38, 1-based): chr2:169,198,870, A>T on the plus strand (T>A on the coding strand, the complement: LRP2 is on the minus strand). VCF-style: chr2-169198870-A-T. GRCh37 (hg19) VCF-style: chr2-170055380-A-T.
Other names: short protein forms S2832T.
Identifiers: ClinVar variation 1029857 (VCV001029857.1), dbSNP rs1688092735, ClinGen allele CA349163950.